The following is an entry in ClinVar:

ClinVar aggregate classification (germline): Uncertain significance. Review status: criteria provided, multiple submitters, no conflicts (2 of 4 stars). 4 submissions from 4 submitters: Uncertain significance (4). Last evaluated 2026-03-23.

Conditions:
Inborn genetic diseases. Identifiers: MedGen C0950123, MeSH D030342.
Intellectual developmental disorder, autosomal dominant 30, with speech delay and behavioral abnormalities. Also called: Intellectual disability, autosomal dominant 30. Identifiers: Orphanet 436151, MedGen C4015167, MONDO:0014486, OMIM 616083.

Allele frequency attached by ClinVar (database versions not stated): gnomAD exomes below 0.00001 and 0.00002; TOPMed below 0.00001; ExAC 0.00001.
gnomAD v4.1: 30 of 1,613,904 alleles (0.0019%); highest among the groups gnomAD compares: Non-Finnish European, 0.0025%; no homozygotes.

Submissions (4):

Ambry Genetics
Classification: Uncertain significance for Inborn genetic diseases. Last evaluated: 2026-03-23. Review status: criteria provided, single submitter. Criteria: Ambry Variant Classification Scheme 2023. Collection method: clinical testing. Allele origin: germline.

Women's Health and Genetics/Laboratory Corporation of America, LabCorp
Classification: Uncertain significance. Last evaluated: 2024-09-11. Review status: criteria provided, single submitter. Criteria: LabCorp Variant Classification Summary - May 2015. Collection method: clinical testing. Allele origin: germline.
Comment: Variant summary: ZMYND11 c.37A>G (p.Lys13Glu) results in a conservative amino acid change located in the SAM domain-containing protein 1-like, WH domain (IPR048589) of the encoded protein sequence. Four of five in-silico tools predict a benign effect of the variant on protein function. The variant allele was found at a frequency of 4e-06 in 248716 control chromosomes. The available data on variant occurrences in the general population are insufficient to allow any conclusion about variant significance. To our knowledge, no occurrence of c.37A>G in individuals affected with Intellectual Disability, Autosomal Dominant 30 and no experimental evidence demonstrating its impact on protein function have been reported. ClinVar contains an entry for this variant (Variation ID: 1064553). Based on the evidence outlined above, the variant was classified as uncertain significance.

Labcorp Genetics (formerly Invitae), Labcorp
Classification: Uncertain significance. Last evaluated: 2024-02-05. Review status: criteria provided, single submitter. Criteria: Invitae Variant Classification Sherloc (09022015). Collection method: clinical testing. Allele origin: germline.
Comment: This sequence change replaces lysine, which is basic and polar, with glutamic acid, which is acidic and polar, at codon 13 of the ZMYND11 protein (p.Lys13Glu). This variant is present in population databases (rs759490914, gnomAD 0.0009%). This variant has not been reported in the literature in individuals affected with ZMYND11-related conditions. ClinVar contains an entry for this variant (Variation ID: 1064553). An algorithm developed to predict the effect of missense changes on protein structure and function (PolyPhen-2) suggests that this variant is likely to be tolerated. In summary, the available evidence is currently insufficient to determine the role of this variant in disease. Therefore, it has been classified as a Variant of Uncertain Significance.

UNC Molecular Genetics  Laboratory, University of North Carolina at Chapel Hill
Classification: Uncertain significance for Intellectual developmental disorder, autosomal dominant 30, with speech delay and behavioral abnormalities. Last evaluated: 2020-01-01. Review status: criteria provided, single submitter. Criteria: ACMG Guidelines, 2015. Collection method: research. Allele origin: germline. Observed: 1 variant allele. Study: CSER_NCGENES.
Comment: ZMYND11 c.37A>G (p.Lys13Glu) is a missense variant that changes a single amino acid from a lysine to a glutamic acid. This variant has been rarely observed in human population databases (< 1 in 20,000 alleles). It has not been reported previously in the clinical literature and is of uncertain clinical significance.

NM_001370100.5(ZMYND11):c.37A>G (p.Lys13Glu)

Gene: ZMYND11 (zinc finger MYND-type containing 11; plus strand). Cytogenetic location: 10p15.3.
Variant type: single nucleotide variant.
Coding change: c.37A>G on transcript NM_001370100.5 (MANE Select); coding-DNA position 37, A replaced by G.
Protein change: p.Lys13Glu; replaces lysine 13 with glutamic acid.
Molecular consequence: missense variant. On other transcripts: 5 prime UTR variant (3), non-coding transcript variant (1), intron variant (5).
Genome position (GRCh38, 1-based): chr10:180,049, A>G. VCF-style: chr10-180049-A-G. GRCh37 (hg19) VCF-style: chr10-225989-A-G.
Other names: c.37A>G, p.Lys13Glu (NM_001202464.3, NM_001202465.3, NM_001202466.3 and 24 more transcripts); c.-110A>G (NM_001330057.3, NM_001370112.2, NM_001370123.2); c.-4-29840A>G (NM_001370118.2, NM_001370121.2); c.51-29840A>G (NM_001370116.2, NM_001370120.2); c.-34+45157A>G (NM_001370124.3); short protein forms K13E.
Identifiers: ClinVar variation 1064553 (VCV001064553.6), dbSNP rs759490914, ClinGen allele CA5378834.